The following is an entry in ClinVar:

ClinVar aggregate classification (germline): Uncertain significance (1 of 4 stars; one submission).

Conditions:
Familial thoracic aortic aneurysm and aortic dissection (TAAD). Also called: Thoracic aortic aneurysms and dissections. Identifiers: Orphanet 91387, MedGen C4707243, MONDO:0019625.

gnomAD v4.1: 1 of 1,614,144 alleles (0.000062%); highest among the groups gnomAD compares: Non-Finnish European, 0.000085%; no homozygotes.

Submission:

Color Diagnostics, LLC DBA Color Health
Classification: Uncertain significance for Familial thoracic aortic aneurysm and aortic dissection. Last evaluated: 2024-02-23. Review status: criteria provided, single submitter. Criteria: ACMG Guidelines, 2015. Collection method: clinical testing. Allele origin: germline.
Comment: This missense variant replaces glycine with serine at codon 1398 of the COL3A1 protein. Computational prediction suggests that this variant may not impact protein structure and function (internally defined REVEL score threshold <= 0.5, PMID: 27666373). To our knowledge, functional studies have not been reported for this variant. This variant has not been reported in individuals affected with COL3A1-related disorders in the literature. This variant has been identified in 1/251376 chromosomes in the general population by the Genome Aggregation Database (gnomAD). The available evidence is insufficient to determine the role of this variant in disease conclusively. Therefore, this variant is classified as a Variant of Uncertain Significance.

NM_000090.4(COL3A1):c.4192G>A (p.Gly1398Ser)

Gene: COL3A1 (collagen type III alpha 1 chain; plus strand). Cytogenetic location: 2q32.2.
Variant type: single nucleotide variant.
Coding change: c.4192G>A on transcript NM_000090.4 (MANE Select); coding-DNA position 4192, G replaced by A.
Protein change: p.Gly1398Ser; replaces glycine 1398 with serine.
Molecular consequence: missense variant.
Genome position (GRCh38, 1-based): chr2:189,010,828, G>A. VCF-style: chr2-189010828-G-A. GRCh37 (hg19) VCF-style: chr2-189875554-G-A.
Other names: short protein forms G1398S.
Identifiers: ClinVar variation 3894492 (VCV003894492.1).
Genomic context (GRCh38, chr2:189,010,828, plus strand): 5'-TACATGGATCAGGCCAGTGGAAATGTAAAGAAGGCCCTGAAGCTGATGGGGTCAAATGAA[G>A]GTGAATTCAAGGCTGAAGGAAATAGCAAATTCACCTACACAGTTCTGGAGGATGGTTGCA-3'
Protein context (NP_000081.2, residues 1388-1408): KALKLMGSNE[Gly1398Ser]EFKAEGNSKF